The following is an entry in ClinVar:

NM_002485.5(NBN):c.1940G>T (p.Ser647Ile)

Gene: NBN (nibrin; minus strand). Cytogenetic location: 8q21.3.
Variant type: single nucleotide variant.
Coding change: c.1940G>T on transcript NM_002485.5 (MANE Select); coding-DNA position 1940, G replaced by T.
Protein change: p.Ser647Ile; replaces serine 647 with isoleucine.
Molecular consequence: missense variant.
Genome position (GRCh38, 1-based): chr8:89,946,270, C>A on the plus strand (G>T on the coding strand, the complement: NBN is on the minus strand). VCF-style: chr8-89946270-C-A. GRCh37 (hg19) VCF-style: chr8-90958498-C-A.
Other names: c.1694G>T, p.Ser565Ile (NM_001024688.3); short protein forms S565I, S647I.
Identifiers: ClinVar variation 1783050 (VCV001783050.2), dbSNP rs2094842749, ClinGen allele CA371676731.
Genomic context (GRCh38, chr8:89,946,270, plus strand): 5'-GAGTTTTTAATCACCAGTGATCTAAATTCAGTCAATAACAGCTTTTTTGGAAGCATCTCA[C>A]TATCATCCTGAAGTTTGTCATTGTTCTTAAATGGGGTTAAGATGGATAGGTAAGAAAGAG-3'
Protein context (NP_002476.2, residues 637-657): ISNNDKLQDD[Ser647Ile]EMLPKKLLLT

ClinVar aggregate classification (germline): Uncertain significance (1 of 4 stars; one submission).

Conditions:
Hereditary cancer-predisposing syndrome. Also called: Neoplastic Syndromes, Hereditary; Tumor predisposition; Hereditary Cancer Syndrome; Hereditary neoplastic syndrome. Identifiers: Orphanet 140162, MedGen C0027672, MeSH D009386, MONDO:0015356.

Allele frequency attached by ClinVar (database versions not stated): TOPMed below 0.00001.

Submission:

Ambry Genetics
Classification: Uncertain significance for Hereditary cancer-predisposing syndrome. Last evaluated: 2021-02-08. Review status: criteria provided, single submitter. Criteria: Ambry Variant Classification Scheme 2023. Collection method: clinical testing. Allele origin: germline.
Comment: The p.S647I variant (also known as c.1940G>T), located in coding exon 13 of the NBN gene, results from a G to T substitution at nucleotide position 1940. The serine at codon 647 is replaced by isoleucine, an amino acid with dissimilar properties. This amino acid position is not well conserved in available vertebrate species. In addition, this alteration is predicted to be tolerated by in silico analysis. Since supporting evidence is limited at this time, the clinical significance of this alteration remains unclear.